The following is an entry in ClinVar:

NM_001040142.2(SCN2A):c.2597C>T (p.Thr866Ile)

Gene: SCN2A (sodium voltage-gated channel alpha subunit 2; plus strand). Cytogenetic location: 2q24.3.
Variant type: single nucleotide variant.
Coding change: c.2597C>T on transcript NM_001040142.2 (MANE Select); coding-DNA position 2597, C replaced by T.
Protein change: p.Thr866Ile; replaces threonine 866 with isoleucine.
Molecular consequence: missense variant.
Genome position (GRCh38, 1-based): chr2:165,344,589, C>T. VCF-style: chr2-165344589-C-T. GRCh37 (hg19) VCF-style: chr2-166201099-C-T.
Other names: c.2597C>T, p.Thr866Ile (NM_001040143.2, NM_001371246.1, NM_001371247.1 and 1 more transcripts); short protein forms T866I.
Identifiers: ClinVar variation 2580772 (VCV002580772.2), dbSNP rs1699475154, ClinGen allele CA349013230.

ClinVar aggregate classification (germline): Likely pathogenic (1 of 4 stars; one submission).

Allele frequency attached by ClinVar (database versions not stated): gnomAD 0.00001; TOPMed 0.00001.
gnomAD v4.1: 2 of 1,613,986 alleles (0.00012%); highest among the groups gnomAD compares: Admixed American, 0.0033%; no homozygotes.

Submission:

GeneDx
Classification: Likely pathogenic. Last evaluated: 2026-07-30. Review status: criteria provided, single submitter. Criteria: GeneDx Variant Classification Process June 2021. Collection method: clinical testing. Allele origin: germline.
Comment: Not observed at significant frequency in large population cohorts (gnomAD); In silico analysis supports that this missense variant has a deleterious effect on protein structure/function; This substitution is predicted to be within the intracellular loop between the S4 and S5 transmembrane segments of the second homologous domain; Has not been previously published as pathogenic or benign to our knowledge